The following is an entry in ClinVar:

NM_000059.4(BRCA2):c.6157T>C (p.Ser2053Pro)

Gene: BRCA2 (BRCA2 DNA repair associated; plus strand). Cytogenetic location: 13q13.1.
Variant type: single nucleotide variant.
Coding change: c.6157T>C on transcript NM_000059.4 (MANE Select); coding-DNA position 6157, T replaced by C.
Protein change: p.Ser2053Pro; replaces serine 2053 with proline.
Molecular consequence: missense variant.
Genome position (GRCh38, 1-based): chr13:32,340,512, T>C. VCF-style: chr13-32340512-T-C. GRCh37 (hg19) VCF-style: chr13-32914649-T-C.
Other names: c.6157T>C, p.Ser2053Pro (NM_001406719.1, NM_001406720.1); short protein forms S2053P.
Identifiers: ClinVar variation 1751914 (VCV001751914.9), dbSNP rs562893642, ClinGen allele CA6940931.
Genomic context (GRCh38, chr13:32,340,512, plus strand): 5'-ATACGTACTCCAGAACATTTAATATCCCAAAAAGGCTTTTCATATAATGTGGTAAATTCA[T>C]CTGCTTTCTCTGGATTTAGTACAGCAAGTGGAAAGCAAGTTTCCATTTTAGAAAGTTCCT-3'
Protein context (NP_000050.3, residues 2043-2063): KGFSYNVVNS[Ser2053Pro]AFSGFSTASG

ClinVar aggregate classification (germline): Conflicting classifications of pathogenicity. Review status: criteria provided, conflicting classifications (1 of 4 stars). 3 submissions from 3 submitters: Uncertain significance (2); Likely benign (1). Last evaluated 2025-12-31.

Conditions:
Hereditary breast ovarian cancer syndrome. Also called: Hereditary breast and ovarian cancer; BRCA1- and BRCA2-Associated Hereditary Breast and Ovarian Cancer; Hereditary breast and ovarian cancer syndrome (HBOC); Hereditary breast and ovarian cancer syndrome; Breast and ovarian cancer; Hereditary breast and/or ovarian cancer syndrome. Identifiers: Orphanet 145, MedGen C0677776, MeSH D061325, MONDO:0003582. Disease mechanism: loss of function.
Hereditary cancer-predisposing syndrome. Also called: Hereditary Cancer Syndrome; Hereditary neoplastic syndrome; Neoplastic Syndromes, Hereditary; Tumor predisposition. Identifiers: Orphanet 140162, MedGen C0027672, MeSH D009386, MONDO:0015356.

Allele frequency attached by ClinVar (database versions not stated): gnomAD exomes below 0.00001; ExAC 0.00001; 1000 Genomes Project 30x 0.00016; 1000 Genomes Project 0.00020.
gnomAD v4.1: 6 of 1,613,606 alleles (0.00037%); highest among the groups gnomAD compares: South Asian, 0.0066%; no homozygotes.

Submissions (3):

Labcorp Genetics (formerly Invitae), Labcorp
Classification: Uncertain significance for Hereditary breast ovarian cancer syndrome. Last evaluated: 2025-12-31. Review status: criteria provided, single submitter. Criteria: Invitae Variant Classification Sherloc (09022015). Collection method: clinical testing. Allele origin: germline.
Comment: This sequence change replaces serine, which is neutral and polar, with proline, which is neutral and non-polar, at codon 2053 of the BRCA2 protein (p.Ser2053Pro). This variant is present in population databases (rs562893642, gnomAD 0.003%). This variant has not been reported in the literature in individuals affected with BRCA2-related conditions. ClinVar contains an entry for this variant (Variation ID: 1751914). Invitae Evidence Modeling of protein sequence and biophysical properties (such as structural, functional, and spatial information, amino acid conservation, physicochemical variation, residue mobility, and thermodynamic stability) indicates that this missense variant is not expected to disrupt BRCA2 protein function with a negative predictive value of 95%. In summary, the available evidence is currently insufficient to determine the role of this variant in disease. Therefore, it has been classified as a Variant of Uncertain Significance.

Ambry Genetics
Classification: Uncertain significance for Hereditary cancer-predisposing syndrome. Last evaluated: 2024-03-14. Review status: criteria provided, single submitter. Criteria: Ambry Variant Classification Scheme 2023. Collection method: clinical testing. Allele origin: germline.
Comment: The p.S2053P variant (also known as c.6157T>C), located in coding exon 10 of the BRCA2 gene, results from a T to C substitution at nucleotide position 6157. The serine at codon 2053 is replaced by proline, an amino acid with similar properties. This amino acid position is not well conserved in available vertebrate species. In addition, this alteration is predicted to be tolerated by in silico analysis. Since supporting evidence is limited at this time, the clinical significance of this alteration remains unclear.

University of Washington Department of Laboratory Medicine, University of Washington
Classification: Likely benign for Hereditary cancer-predisposing syndrome. Last evaluated: 2023-03-23. Review status: criteria provided, single submitter. Criteria: Dines et al. (Genet Med. 2020). Collection method: curation. Allele origin: germline.
Comment: Missense variant in a coldspot region where missense variants are very unlikely to be pathogenic (PMID:31911673).

BRCA2 exon 11 coldspot. Reclassification based on statistical prior probability.